The following is an entry in ClinVar:

ClinVar aggregate classification (germline): Uncertain significance (1 of 4 stars; one submission).

Conditions:
LRRC45-related disorder. Also called: LRRC45-related condition.

Submission:

PreventionGenetics, part of Exact Sciences
Classification: Uncertain significance for LRRC45-related condition. Last evaluated: 2025-06-24. Review status: criteria provided, single submitter. Criteria: ACMG Guidelines, 2015. Collection method: clinical testing. Allele origin: germline.
Comment: The LRRC45 c.834-2A>G variant is predicted to disrupt the AG splice acceptor site and interfere with normal splicing. To our knowledge, this variant has not been reported in the literature or in a large population database (gnomAD), indicating this variant is rare. At this time, the clinical significance of this variant is uncertain due to the absence of conclusive functional and genetic evidence.

NM_144999.4(LRRC45):c.834-2A>G

Gene: LRRC45 (leucine rich repeat containing 45; plus strand). Cytogenetic location: 17q25.3.
Variant type: single nucleotide variant.
Coding change: c.834-2A>G on transcript NM_144999.4 (MANE Select); the canonical splice acceptor site of the intron before coding-DNA position 834, A replaced by G.
Molecular consequence: splice acceptor variant.
Genome position (GRCh38, 1-based): chr17:82,027,672, A>G. VCF-style: chr17-82027672-A-G. GRCh37 (hg19) VCF-style: chr17-79985548-A-G.
Identifiers: ClinVar variation 4999652 (VCV004999652.1).
Genomic context (GRCh38, chr17:82,027,672, plus strand): 5'-AGAGGGGTATGGGAGCGCTCTGGGGTTTGGGTTACTCTCTGCACCCTCCTCTCTGCCCAC[A>G]GGGCGTCGGCAGCCCGTGTAGGGCAGCTTCAGGAAGCCCTGAATGAGAGGCACTCCATCA-3'